The following is an entry in ClinVar:

NM_005515.4(MNX1):c.382_383insTCGCCG (p.Ala127_Ala128insValAla)

Gene: MNX1 (motor neuron and pancreas homeobox 1; minus strand). Cytogenetic location: 7q36.3.
Variant type: Insertion.
Coding change: c.382_383insTCGCCG on transcript NM_005515.4 (MANE Select); coding-DNA positions 382 to 383, TCGCCG inserted.
Protein change: p.Ala127_Ala128insValAla.
Molecular consequence: inframe insertion.
Genome position: GRCh38 VCF-style: chr7-157009968-G-GCGGCGA. GRCh37 (hg19) VCF-style: chr7-156802662-G-GCGGCGA.
Identifiers: ClinVar variation 2870216 (VCV002870216.3), dbSNP rs2537781021, ClinGen allele CA2685829426.

ClinVar aggregate classification (germline): Uncertain significance (1 of 4 stars; one submission).

Submission:

Labcorp Genetics (formerly Invitae), Labcorp
Classification: Uncertain significance. Last evaluated: 2023-08-05. Review status: criteria provided, single submitter. Criteria: Invitae Variant Classification Sherloc (09022015). Collection method: clinical testing. Allele origin: germline.
Comment: This variant, c.382_383insTCGCCG, results in the insertion of 2 amino acid(s) of the MNX1 protein (p.Ala127_Ala128insValAla), but otherwise preserves the integrity of the reading frame. The frequency data for this variant in the population databases is considered unreliable, as metrics indicate insufficient coverage at this position in the gnomAD database. This variant has not been reported in the literature in individuals affected with MNX1-related conditions. In summary, the available evidence is currently insufficient to determine the role of this variant in disease. Therefore, it has been classified as a Variant of Uncertain Significance.